The following is an entry in ClinVar:

NM_001367721.1(CASK):c.1234-22G>A

Gene: CASK (calcium/calmodulin dependent serine protein kinase; minus strand). Cytogenetic location: Xp11.4.
Variant type: single nucleotide variant.
Coding change: c.1234-22G>A on transcript NM_001367721.1 (MANE Select); 22 bases into the intron before coding-DNA position 1234, G replaced by A.
Molecular consequence: intron variant.
Genome position (GRCh38, 1-based): chrX:41,587,009, C>T on the plus strand (G>A on the coding strand, the complement: CASK is on the minus strand). VCF-style: chrX-41587009-C-T. GRCh37 (hg19) VCF-style: chrX-41446262-C-T.
Other names: c.1216-22G>A (NM_001126055.3, NM_001410745.1); c.1234-22G>A (NM_001126054.3, NM_003688.4).
Identifiers: ClinVar variation 158063 (VCV000158063.9), dbSNP rs5963260, ClinGen allele CA171477.

ClinVar aggregate classification (germline): Benign. Review status: criteria provided, multiple submitters, no conflicts (2 of 4 stars). 3 submissions from 3 submitters: Benign (2). 1 of the submissions does not count toward it. Last evaluated 2018-06-30.

Allele frequency attached by ClinVar (database versions not stated): gnomAD 0.02684 and 0.02490; 1000 Genomes Project 30x 0.02955; gnomAD exomes 0.00249 and 0.00631; ESP Exome Variant Server 0.02446; TOPMed 0.02851; ExAC 0.00894; 1000 Genomes Project 0.02861.
gnomAD v4.1: 4,782 of 868,235 alleles (0.55%); highest among the groups gnomAD compares: African/African-American, 8.3%; 128 homozygotes.

Submissions (3):

GeneDx
Classification: Benign. Last evaluated: 2018-06-30. Review status: criteria provided, single submitter. Criteria: GeneDx Variant Classification Process June 2021. Collection method: clinical testing. Allele origin: germline. Affected: yes.

Breakthrough Genomics
Classification: Benign. Review status: criteria provided, single submitter. Criteria: ACMG Guidelines, 2015. Collection method: not provided. Allele origin: germline. Inheritance: X-linked inheritance. Affected: yes.

Genetic Services Laboratory, University of Chicago
Classification: Likely benign. Review status: no assertion criteria provided. Collection method: clinical testing. Allele origin: germline. Inheritance: X-linked inheritance. Not counted in ClinVar's aggregate classification.
Comment: Likely benign based on allele frequency in 1000 Genomes Project or ESP global frequency and its presence in a patient with a rare or unrelated disease phenotype. NOT Sanger confirmed